The following is an entry in ClinVar:

NM_004006.3(DMD):c.5480T>G (p.Leu1827Trp)

Gene: DMD (dystrophin; minus strand). Cytogenetic location: Xp21.1.
Variant type: single nucleotide variant.
Coding change: c.5480T>G on transcript NM_004006.3 (MANE Select); coding-DNA position 5480, T replaced by G.
Protein change: p.Leu1827Trp; replaces leucine 1827 with tryptophan.
Molecular consequence: missense variant.
Genome position (GRCh38, 1-based): chrX:32,346,049, A>C on the plus strand (T>G on the coding strand, the complement: DMD is on the minus strand). VCF-style: chrX-32346049-A-C. GRCh37 (hg19) VCF-style: chrX-32364166-A-C.
Other names: c.5456T>G, p.Leu1819Trp (NM_000109.4); c.5468T>G, p.Leu1823Trp (NM_004009.3); c.5111T>G, p.Leu1704Trp (NM_004010.3); c.1457T>G, p.Leu486Trp (NM_004011.4); c.1448T>G, p.Leu483Trp (NM_004012.4); short protein forms L1704W, L486W, L1819W, L1823W, L1827W, L483W.
Identifiers: ClinVar variation 2871039 (VCV002871039.3), dbSNP rs2521967093, ClinGen allele CA412667444.

ClinVar aggregate classification (germline): Uncertain significance (1 of 4 stars; one submission).

Conditions:
Duchenne muscular dystrophy (DMD). Also called: MUSCULAR DYSTROPHY, PSEUDOHYPERTROPHIC PROGRESSIVE, DUCHENNE TYPE; Duchenne Muscular Dystrophy (DMD). Identifiers: Orphanet 98896, MedGen C0013264, MONDO:0010679, OMIM 310200.

Submission:

Labcorp Genetics (formerly Invitae), Labcorp
Classification: Uncertain significance for Duchenne muscular dystrophy. Last evaluated: 2023-08-24. Review status: criteria provided, single submitter. Criteria: Invitae Variant Classification Sherloc (09022015). Collection method: clinical testing. Allele origin: germline.
Comment: In summary, the available evidence is currently insufficient to determine the role of this variant in disease. Therefore, it has been classified as a Variant of Uncertain Significance. Advanced modeling of protein sequence and biophysical properties (such as structural, functional, and spatial information, amino acid conservation, physicochemical variation, residue mobility, and thermodynamic stability) performed at Invitae indicates that this missense variant is not expected to disrupt DMD protein function. This variant has not been reported in the literature in individuals affected with DMD-related conditions. This variant is not present in population databases (gnomAD no frequency). This sequence change replaces leucine, which is neutral and non-polar, with tryptophan, which is neutral and slightly polar, at codon 1827 of the DMD protein (p.Leu1827Trp).